The following is an entry in ClinVar:

NM_080675.4(SUN5):c.1068C>T (p.Arg356=)

Gene: SUN5 (Sad1 and UNC84 domain containing 5; minus strand). Cytogenetic location: 20q11.21.
Variant type: single nucleotide variant.
Coding change: c.1068C>T on transcript NM_080675.4 (MANE Select); coding-DNA position 1068, C replaced by T.
Protein change: p.Arg356=; no amino-acid change (arginine 356 retained).
Molecular consequence: synonymous variant.
Genome position (GRCh38, 1-based): chr20:32,983,866, G>A on the plus strand (C>T on the coding strand, the complement: SUN5 is on the minus strand). VCF-style: chr20-32983866-G-A. GRCh37 (hg19) VCF-style: chr20-31571672-G-A.
Identifiers: ClinVar variation 3034980 (VCV003034980.2), dbSNP rs572445773, ClinGen allele CA9811600.

ClinVar aggregate classification (germline): Likely benign (0 of 4 stars; one submission).

Conditions:
SUN5-related disorder. Also called: SUN5-related condition.

Allele frequency attached by ClinVar (database versions not stated): gnomAD exomes 0.00002; TOPMed 0.00003; ExAC 0.00004; gnomAD 0.00005; 1000 Genomes Project 30x 0.00047; 1000 Genomes Project 0.00060.
gnomAD v4.1: 39 of 1,599,934 alleles (0.0024%); highest among the groups gnomAD compares: East Asian, 0.016%; no homozygotes.

Submission:

PreventionGenetics, part of Exact Sciences
Classification: Likely benign for SUN5-related condition. Last evaluated: 2019-08-01. Review status: no assertion criteria provided. Collection method: clinical testing. Allele origin: germline.
Comment: This variant is classified as likely benign based on ACMG/AMP sequence variant interpretation guidelines (Richards et al. 2015 PMID: 25741868, with internal and published modifications).